The following is an entry in ClinVar:

ClinVar aggregate classification (germline): Uncertain significance (1 of 4 stars; one submission).

Conditions:
NPRL3-related disorder. Also called: NPRL3-related condition.

Submission:

PreventionGenetics, part of Exact Sciences
Classification: Uncertain significance for NPRL3-related condition. Last evaluated: 2026-05-07. Review status: criteria provided, single submitter. Criteria: ACMG Guidelines, 2015. Collection method: clinical testing. Allele origin: germline.
Comment: The NPRL3 c.35T>C variant is predicted to result in the amino acid substitution p.Leu12Pro. To our knowledge, this variant has not been reported in the literature or in a large population database (gnomAD), indicating this variant is rare. At this time, the clinical significance of this variant is uncertain due to the absence of conclusive functional and genetic evidence.

NM_001077350.3(NPRL3):c.35T>C (p.Leu12Pro)

Genes: HBA-LCR (alpha-globin locus control region; plus strand), NPRL3 (NPR3 like, GATOR1 complex subunit; minus strand). Cytogenetic location: 16p13.3.
Variant type: single nucleotide variant.
Coding change: c.35T>C on transcript NM_001077350.3 (MANE Select); coding-DNA position 35, T replaced by C.
Protein change: p.Leu12Pro; replaces leucine 12 with proline.
Molecular consequence: missense variant. On other transcripts: 5 prime UTR variant (2).
Genome position (GRCh38, 1-based): chr16:138,233, A>G on the plus strand (T>C on the coding strand, the complement: NPRL3 is on the minus strand). VCF-style: chr16-138233-A-G. GRCh37 (hg19) VCF-style: chr16-188232-A-G.
Other names: c.-298T>C (NM_001039476.3); c.-337T>C (NM_001243247.2); c.35T>C, p.Leu12Pro (NM_001243248.2, NM_001243249.2); short protein forms L12P.
Identifiers: ClinVar variation 4994389 (VCV004994389.1).
Genomic context (GRCh38, chr16:138,233, plus strand): 5'-TGGCTTCTCTGGAAGGGGTACCTGAACAGCAGCTTATTGCCCCTGCTCCCCGAGCTCACC[A>G]GAATCACGCTGATGGGGCTGGTGTTGTCCCGCATCCCGCCGTGGGGCCGGGGCCGGGGGC-3'
Protein context (NP_001070818.1, residues 2-22): RDNTSPISVI[Leu12Pro]VSSGSRGNKL